The following is an entry in ClinVar:

NM_000260.4(MYO7A):c.5488G>T (p.Glu1830Ter)

Gene: MYO7A (myosin VIIA; plus strand). Cytogenetic location: 11q13.5.
Variant type: single nucleotide variant.
Coding change: c.5488G>T on transcript NM_000260.4 (MANE Select); coding-DNA position 5488, G replaced by T.
Protein change: p.Glu1830Ter; replaces glutamic acid 1830 with a stop codon.
Molecular consequence: nonsense.
Genome position (GRCh38, 1-based): chr11:77,205,469, G>T. VCF-style: chr11-77205469-G-T. GRCh37 (hg19) VCF-style: chr11-76916514-G-T.
Other names: c.5374G>T, p.Glu1792Ter (NM_001127180.2); c.5341G>T, p.Glu1781Ter (NM_001369365.1); c.5488G>T (NM_000260.3); short protein forms E1781*, E1792*, E1830*.
Identifiers: ClinVar variation 983819 (VCV000983819.4), dbSNP rs768418736, ClinGen allele CA381952851.

ClinVar aggregate classification (germline): Likely pathogenic. Review status: criteria provided, multiple submitters, no conflicts (2 of 4 stars). 2 submissions from 2 submitters: Likely pathogenic (2). Last evaluated 2024-04-18.

Conditions:
Usher syndrome type 1 (USH1). Also called: RETINITIS PIGMENTOSA AND CONGENITAL DEAFNESS. Identifiers: Orphanet 231169, Orphanet 886, MedGen C1568247, MONDO:0010168, OMIM 276900.
Usher syndrome type 1B (USH1B). Also called: Usher syndrome type IB. Identifiers: MedGen C1848638, MONDO:0700087.

Submissions (2):

Natera, Inc.
Classification: Likely pathogenic for Usher syndrome type 1B. Last evaluated: 2024-04-18. Review status: criteria provided, single submitter. Criteria: Natera Variant Classification Schema (03/2026). Collection method: clinical testing. Allele origin: germline.
Comment: The c.5488G>T variant in MYO7A is a nonsense variant predicted to introduce a stop codon at amino acid 1830. This variant is expected to result in nonsense mediated decay, truncation, or a dysfunctional protein product. This variant is rare in the general population with a frequency below the threshold expected for the associated phenotype(s). Given the available evidence, this variant is classified as Likely Pathogenic.

Myriad Genetics, Inc.
Classification: Likely pathogenic for Usher syndrome type 1. Last evaluated: 2019-06-16. Review status: criteria provided, single submitter. Criteria: Myriad Women's Health Autosomal Recessive and X-Linked Classification Criteria (2019). Collection method: clinical testing. Allele origin: unknown.
Comment: NM_000260.3(MYO7A):c.5488G>T(E1830*) is expected to be pathogenic in the context of MYO7A-related disorders. This variant is predicted to lead to an abnormal or absent protein product due to the creation of a premature termination codon in MYO7A, a gene where loss-of-function variants are known to be pathogenic. Please note: this variant was assessed in the context of healthy population screening.